The following is an entry in ClinVar:

ClinVar aggregate classification (germline): Uncertain significance (1 of 4 stars; one submission).

Conditions:
RAX2-related disorder. Also called: RAX2-related condition; RAX2-related disorders.

gnomAD v4.1: 22 of 1,525,724 alleles (0.0014%); highest among the groups gnomAD compares: Non-Finnish European, 0.0018%; no homozygotes.

Submission:

PreventionGenetics, part of Exact Sciences
Classification: Uncertain significance for RAX2-related condition. Last evaluated: 2026-05-31. Review status: criteria provided, single submitter. Criteria: ACMG Guidelines, 2015. Collection method: clinical testing. Allele origin: germline.
Comment: The RAX2 c.401G>A variant is predicted to result in the amino acid substitution p.Arg134His. To our knowledge, this variant has not been reported in the literature. This variant is reported in 0.0023% of alleles in individuals of European (Non-Finnish) descent in gnomAD. At this time, the clinical significance of this variant is uncertain due to the absence of conclusive functional and genetic evidence.

NM_001319074.4(RAX2):c.401G>A (p.Arg134His)

Gene: RAX2 (retina and anterior neural fold homeobox 2; minus strand). Cytogenetic location: 19p13.3.
Variant type: single nucleotide variant.
Coding change: c.401G>A on transcript NM_001319074.4 (MANE Select); coding-DNA position 401, G replaced by A.
Protein change: p.Arg134His; replaces arginine 134 with histidine.
Molecular consequence: missense variant.
Genome position (GRCh38, 1-based): chr19:3,770,775, C>T on the plus strand (G>A on the coding strand, the complement: RAX2 is on the minus strand). VCF-style: chr19-3770775-C-T. GRCh37 (hg19) VCF-style: chr19-3770773-C-T.
Other names: c.401G>A, p.Arg134His (NM_032753.4); short protein forms R134H.
Identifiers: ClinVar variation 4979051 (VCV004979051.1).